The following is an entry in ClinVar:

NC_000001.10:g.(7700614_7721785)_(7737794_7792507)del

Gene: CAMTA1 (calmodulin binding transcription activator 1; plus strand). Cytogenetic location: 1p36.23.
Variant type: Deletion.
Identifiers: ClinVar variation 3902685 (VCV003902685.1).

ClinVar aggregate classification (germline): Pathogenic (1 of 4 stars; one submission).

Conditions:
Cerebellar dysfunction with variable cognitive and behavioral abnormalities (CECBA). Also called: Nonprogressive cerebellar atxia with intellectual disability. Identifiers: Orphanet 314647, MedGen C3553661, MONDO:0013886, OMIM 614756.

Submission:

Women's Health and Genetics/Laboratory Corporation of America, LabCorp
Classification: Pathogenic for Cerebellar dysfunction with variable cognitive and behavioral abnormalities. Last evaluated: 2025-05-27. Review status: criteria provided, single submitter. Criteria: LabCorp Variant Classification Summary - May 2015. Collection method: clinical testing. Allele origin: germline.
Comment: Variant summary: The variant involves the deletion of exons 8-11 in the CAMTA1 gene. A presumed nomenclature of c.(664+1_665-1)_(2914+1_2915-1)del has been designated for the purposes of this classification. This Copy Number Variant (CNV) is predicted to result in an in-frame deletion within this gene, removing a large part (~750 amino acids) of the 1673 amino acid long protein. The variant was absent in 21692 control chromosomes in the gnomAD database (structural variants v2.1 dataset). To our knowledge, no occurrence of c.(664+1_665-1)_(2914+1_2915-1)del in individuals affected with Cerebellar Dysfunction With Variable Cognitive And Behavioral Abnormalities and no experimental evidence demonstrating its impact on protein function have been reported. However, multiple missense variants have been reported within the deleted region in affected individuals (HGMD), and at least one of these has been classified as pathogenic/likely pathogenic by our lab (internally), indicating the functional importance of this protein region. No submitters have cited clinical-significance assessments for this variant to ClinVar. Based on the evidence outlined above, the variant was classified as pathogenic.